The following is an entry in ClinVar:

NM_000038.6(APC):c.1267del (p.Trp423fs)

Gene: APC (APC regulator of Wnt signaling pathway; plus strand). Cytogenetic location: 5q22.2.
Variant type: Deletion.
Coding change: c.1267del on transcript NM_000038.6 (MANE Select); coding-DNA position 1267, one base deleted (T; older notation c.1267delT).
Protein change: p.Trp423fs; shifts the reading frame from tryptophan 423.
Molecular consequence: frameshift variant. On other transcripts: non-coding transcript variant (2).
Genome position (GRCh38, 1-based): chr5:112,819,299, T deleted. VCF-style (leftmost placement, unchanged base first): chr5-112819298-GT-G. GRCh37 (hg19) VCF-style: chr5-112154995-GT-G.
Other names: c.1267del, p.Trp423fs (NM_001127510.3, NM_001354895.2, NM_001354896.2 and 4 more transcripts); c.1213del, p.Trp405fs (NM_001127511.3); c.1297del, p.Trp433fs (NM_001354897.2, NM_001407446.1); c.1192del, p.Trp398fs (NM_001354898.2, NM_001407451.1); c.1183del, p.Trp395fs (NM_001354899.2, NM_001407452.1); c.1090del, p.Trp364fs (NM_001354900.2, NM_001354901.2, NM_001407453.1); c.994del, p.Trp332fs (NM_001354902.2); c.964del, p.Trp322fs (NM_001354903.2, NM_001407454.1, NM_001407455.1 and 5 more transcripts); and 5 more; short protein forms W140fs, W263fs, W294fs, W297fs, W322fs, W332fs, W364fs, W395fs.
Identifiers: ClinVar variation 2583752 (VCV002583752.2), dbSNP rs2533057604, ClinGen allele CA2582341274.

ClinVar aggregate classification (germline): Pathogenic (1 of 4 stars; one submission).

Conditions:
Familial adenomatous polyposis 1 (FAP1). Also called: POLYPOSIS, ADENOMATOUS INTESTINAL; FAMILIAL ADENOMATOUS POLYPOSIS 1, ATTENUATED. Identifiers: MedGen C2713442, MONDO:0021056, OMIM 175100. Disease mechanism: loss of function.

Submission:

Myriad Genetics, Inc.
Classification: Pathogenic for Familial adenomatous polyposis 1. Last evaluated: 2023-05-01. Review status: criteria provided, single submitter. Criteria: Myriad Autosomal Dominant, Autosomal Recessive and X-Linked Classification Criteria (2023). Collection method: clinical testing. Allele origin: unknown.
Comment: This variant is considered pathogenic. This variant creates a frameshift predicted to result in premature protein truncation.